The following is an entry in ClinVar:

ClinVar aggregate classification (germline): Uncertain significance. Review status: criteria provided, multiple submitters, no conflicts (2 of 4 stars). 3 submissions from 3 submitters: Uncertain significance (3). Last evaluated 2025-10-20.

Conditions:
Dilated cardiomyopathy 1C (CMD1C). Also called: CARDIOMYOPATHY, DILATED, 1C, WITH OR WITHOUT LEFT VENTRICULAR NONCOMPACTION; Cardiomyopathy, dilated, 1C, with or without LVNC. Identifiers: Orphanet 154, Orphanet 54260, MedGen C1832244, MONDO:0011094, OMIM 601493.

Allele frequency attached by ClinVar (database versions not stated): gnomAD exomes 0.00001.
gnomAD v4.1: 11 of 1,614,132 alleles (0.00068%); highest among the groups gnomAD compares: Non-Finnish European, 0.00085%; no homozygotes.

Submissions (3):

Victorian Clinical Genetics Services, Murdoch Childrens Research Institute
Classification: Uncertain significance for Dilated cardiomyopathy 1C. Last evaluated: 2025-10-20. Review status: criteria provided, single submitter. Criteria: ACMG Guidelines, 2015. Collection method: clinical testing. Allele origin: germline. Affected: yes.
Comment: This variant is classified as VUS-3B. Evidence in support of pathogenic classification: Variant is present in gnomAD <0.01 (v4: 11 heterozygote(s), 0 homozygote(s)). Additional information: Variant is predicted to result in a missense amino acid change from Asn to Ser; This variant is heterozygous; This gene is associated with both recessive and dominant disease (OMIM); Previous evidence of pathogenicity for this variant is inconclusive. It has been classified as VUS by clinical laboratories in ClinVar; No published evidence of segregation with disease has been identified for this variant; No published functional evidence has been identified for this variant; No comparable missense variants have previous evidence for pathogenicity; Missense variant with inconclusive in silico prediction and uninformative conservation; Loss of function is a known mechanism of disease in this gene and is associated with autosomal recessive cardiomyopathy, dilated, 2L (MIM#621237; PMID: 36253531). Monoallelic missense variants have been associated with cardiomyopathy, dilated, 1C, with or without LVNC, cardiomyopathy, hypertrophic, 24 and left ventricular noncompaction 3 (MIM#601493); and with Myopathy, myofibrillar, 4 (MIM#609452). The mechanism of disease for monoallelic variants is yet to be elucidated (PMID: 33802723) and the association with monoallelic DCM is limited (ClinGen, PanelApp Australia); Inheritance information for this variant is not currently available in this individual.

GeneDx
Classification: Uncertain significance. Last evaluated: 2025-04-23. Review status: criteria provided, single submitter. Criteria: GeneDx Variant Classification Process June 2021. Collection method: clinical testing. Allele origin: germline. Affected: yes.
Comment: Not observed at significant frequency in large population cohorts (gnomAD); In silico analysis supports that this missense variant has a deleterious effect on protein structure/function; Has not been previously published as pathogenic or benign to our knowledge

Laboratory for Molecular Medicine, Mass General Brigham Personalized Medicine
Classification: Uncertain significance. Last evaluated: 2013-04-05. Review status: criteria provided, single submitter. Criteria: LMM Criteria. Collection method: clinical testing. Allele origin: germline. Observed: 1 variant allele.
Comment: The Asn67Ser variant in LDB3 has not been reported in the literature nor previou sly identified by our laboratory. This variant has also not been identified in l arge European American and African American populations by the NHLBI Exome Seque ncing Project, though it may be present in ot her populations. Computational analyses (biochemical amino acid properties, cons ervation, AlignGVGD, PolyPhen2, and SIFT) do not provide strong support for or a gainst an impact to the protein. At this time, additional information is needed to fully assess the clinical significance of this variant.

Literature cited by the submitters: PubMed 33802723 (cited by Victorian Clinical Genetics Services, Murdoch Childrens Research Institute); PubMed 36253531 (cited by Victorian Clinical Genetics Services, Murdoch Childrens Research Institute).

NM_007078.3(LDB3):c.200A>G (p.Asn67Ser)

Gene: LDB3 (LIM domain binding 3; plus strand). Cytogenetic location: 10q23.2.
Variant type: single nucleotide variant.
Coding change: c.200A>G on transcript NM_007078.3 (MANE Select); coding-DNA position 200, A replaced by G.
Protein change: p.Asn67Ser; replaces asparagine 67 with serine.
Molecular consequence: missense variant.
Genome position (GRCh38, 1-based): chr10:86,679,473, A>G. VCF-style: chr10-86679473-A-G. GRCh37 (hg19) VCF-style: chr10-88439230-A-G.
Other names: c.200A>G, p.Asn67Ser (NM_001080114.2, NM_001080115.2, NM_001080116.1 and 8 more transcripts); short protein forms N67S.
Identifiers: ClinVar variation 178866 (VCV000178866.9), dbSNP rs727504500, ClinGen allele CA183181.